The following is an entry in ClinVar:

ClinVar aggregate classification (germline): Uncertain significance (1 of 4 stars; one submission).

Submission:

Mayo Clinic Laboratories, Mayo Clinic
Classification: Uncertain significance. Last evaluated: 2023-01-11. Review status: criteria provided, single submitter. Criteria: ACMG Guidelines, 2015. Collection method: clinical testing. Allele origin: germline. Observed: 1 variant allele.
Comment: BP4, PM2

NM_012123.4(MTO1):c.1052T>C (p.Met351Thr)

Gene: MTO1 (mitochondrial tRNA translation optimization 1; plus strand). Cytogenetic location: 6q13.
Variant type: single nucleotide variant.
Coding change: c.1052T>C on transcript NM_012123.4 (MANE Select); coding-DNA position 1052, T replaced by C.
Protein change: p.Met351Thr; replaces methionine 351 with threonine.
Molecular consequence: missense variant.
Genome position (GRCh38, 1-based): chr6:73,480,049, T>C. VCF-style: chr6-73480049-T-C. GRCh37 (hg19) VCF-style: chr6-74189772-T-C.
Other names: p.Met351Thr; c.1052T>C, p.Met351Thr (NM_001123226.2, NM_133645.3); short protein forms M351T.
Identifiers: ClinVar variation 2682935 (VCV002682935.1), dbSNP rs2533279558, ClinGen allele CA364714810.